The following is an entry in ClinVar:

NM_007363.5(NONO):c.1191_1192del (p.Asn397fs)

Gene: NONO (non-POU domain containing octamer binding; plus strand). Cytogenetic location: Xq13.1.
Variant type: Deletion.
Coding change: c.1191_1192del on transcript NM_007363.5 (MANE Select); coding-DNA positions 1191 to 1192, 2 bases deleted (CA; older notation c.1191_1192delCA).
Protein change: p.Asn397fs; shifts the reading frame from asparagine 397.
Molecular consequence: frameshift variant.
Genome position (GRCh38, 1-based): chrX:71,298,726-71,298,727, CA deleted; deleting any 2 consecutive bases within chrX:71,298,725-71,298,727 gives the same sequence; the c. name uses the placement nearest the transcript's 3' end. VCF-style (leftmost placement, unchanged base first): chrX-71298724-AAC-A. GRCh37 (hg19) VCF-style: chrX-70518574-AAC-A.
Other names: c.1190_1191del (NM_001145408.2); c.1191_1192del, p.Asn397fs (NM_001145408.2, NM_001145409.2); c.924_925del, p.Asn308fs (NM_001145410.2); short protein forms N308fs, N397fs.
Identifiers: ClinVar variation 812179 (VCV000812179.1), dbSNP rs2031508845, ClinGen allele CA916083965.

ClinVar aggregate classification (germline): Likely pathogenic (1 of 4 stars; one submission).

Conditions:
Intellectual developmental disorder, X-linked, syndromic 34. Also called: Syndromic X-linked intellectual disability 34; MENTAL RETARDATION, X-LINKED, SYNDROMIC, MIRCSOF-LANGOUET TYPE. Identifiers: Orphanet 466791, MedGen C4225417, MONDO:0010501, OMIM 300967.

Submission:

Cavalleri Lab, Royal College of Surgeons in Ireland
Classification: Likely pathogenic for Intellectual developmental disorder, X-linked, syndromic 34. Last evaluated: 2019-12-11. Review status: criteria provided, single submitter. Criteria: ACMG Guidelines, 2015. Collection method: research. Allele origin: maternal. Inheritance: X-linked inheritance. Affected: yes.
Comment: ACMG evidence PVS1, PM2

Literature cited by the submitters: PubMed 32238909.